The following is an entry in ClinVar:

NM_000310.4(PPT1):c.363-4G>A

Gene: PPT1 (palmitoyl-protein thioesterase 1; minus strand). Cytogenetic location: 1p34.2.
Variant type: single nucleotide variant.
Coding change: c.363-4G>A on transcript NM_000310.4 (MANE Select); 4 bases into the intron before coding-DNA position 363, G replaced by A.
Molecular consequence: intron variant.
Genome position (GRCh38, 1-based): chr1:40,091,403, C>T on the plus strand (G>A on the coding strand, the complement: PPT1 is on the minus strand). VCF-style: chr1-40091403-C-T. GRCh37 (hg19) VCF-style: chr1-40557075-C-T.
Other names: IVS3 as G-A -4; c.125-1891G>A (NM_001142604.2); c.363-4G>A (NM_001363695.2).
Identifiers: ClinVar variation 130021 (VCV000130021.62), dbSNP rs117284255, ClinGen allele CA288992.

ClinVar aggregate classification (germline): Benign/Likely benign. Review status: criteria provided, multiple submitters, no conflicts (2 of 4 stars). 16 submissions from 16 submitters: Benign (8); Likely benign (2). 6 of the submissions do not count toward it. Last evaluated 2026-09-01.

Conditions:
PPT1-related disorder. Also called: PPT1-related condition.
Inborn genetic diseases. Identifiers: MedGen C0950123, MeSH D030342.
Central core myopathy (CMYO1A). Also called: CONGENITAL MYOPATHY 1A, AUTOSOMAL DOMINANT, WITH SUSCEPTIBILITY TO MALIGNANT HYPERTHERMIA; Central core disease; Myopathy, central fibrillar. Identifiers: Orphanet 597, MedGen C5830701, MONDO:0007294, OMIM 117000.
Neuronal ceroid lipofuscinosis 1 (CLN1). Also called: CEROID LIPOFUSCINOSIS, NEURONAL, 1, VARIABLE AGE AT ONSET; PPT1-Related Neuronal Ceroid-Lipofuscinosis. Identifiers: Orphanet 228329, MedGen C1850451, MONDO:0009744, OMIM 256730.

Allele frequency attached by ClinVar (database versions not stated): ESP Exome Variant Server 0.00108; gnomAD 0.00318 and 0.00400; TOPMed 0.00612; 1000 Genomes Project 0.00958; 1000 Genomes Project 30x 0.01031.
gnomAD v4.1: 6,010 of 1,612,342 alleles (0.37%); highest among the groups gnomAD compares: East Asian, 4.1%; 106 homozygotes.

Submissions (16):

CeGaT Center for Human Genetics Tuebingen
Classification: Benign. Last evaluated: 2026-09-01. Review status: criteria provided, single submitter. Criteria: CeGaT Center For Human Genetics Tuebingen Variant Classification Criteria Version 2. Collection method: clinical testing. Allele origin: germline. Affected: yes. Observed: 12 variant alleles.
Comment: PPT1: BP4, BS1, BS2

Labcorp Genetics (formerly Invitae), Labcorp
Classification: Benign for Neuronal ceroid lipofuscinosis 1. Last evaluated: 2026-02-04. Review status: criteria provided, single submitter. Criteria: Invitae Variant Classification Sherloc (09022015). Collection method: clinical testing. Allele origin: germline.

GeneDx
Classification: Benign. Last evaluated: 2018-11-28. Review status: criteria provided, single submitter. Criteria: GeneDx Variant Classification Process June 2021. Collection method: clinical testing. Allele origin: germline. Affected: yes.
Comment: This variant is associated with the following publications: (PMID: 21990111, 27535533, 27553520, 30548430)

Illumina Laboratory Services, Illumina
Classification: Benign for Neuronal ceroid lipofuscinosis 1. Last evaluated: 2018-03-06. Review status: criteria provided, single submitter. Criteria: ICSL Variant Classification Criteria 13 December 2019. Collection method: clinical testing. Allele origin: germline.
Comment: This variant was observed in the ICSL laboratory as part of a predisposition screen in an ostensibly healthy population. It had not been previously curated by ICSL or reported in the Human Gene Mutation Database (HGMD: prior to June 1st, 2018), and was therefore a candidate for classification through an automated scoring system. Utilizing variant allele frequency, disease prevalence and penetrance estimates, and inheritance mode, an automated score was calculated to assess if this variant is too frequent to cause the disease. Based on the score and internal cut-off values, a variant classified as benign is not then subjected to further curation. The score for this variant resulted in a classification of benign for this disease.

Laboratory for Molecular Medicine, Mass General Brigham Personalized Medicine
Classification: Benign. Last evaluated: 2016-03-28. Review status: criteria provided, single submitter. Criteria: LMM Criteria. Collection method: clinical testing. Allele origin: germline.
Comment: Variant identified in a genome or exome case(s) and assessed due to predicted null impact of the variant or pathogenic assertions in the literature or databases. Disclaimer: This variant has not undergone full assessment. The following are preliminary notes: ExAC frequency

Ambry Genetics
Classification: Benign for Inborn genetic diseases. Last evaluated: 2016-03-24. Review status: criteria provided, single submitter. Criteria: Ambry Variant Classification Scheme 2023. Collection method: clinical testing. Allele origin: germline.

Eurofins Ntd Llc (ga)
Classification: Benign. Last evaluated: 2014-11-05. Review status: criteria provided, single submitter. Criteria: EGL Classification Definitions 2015. Collection method: clinical testing. Allele origin: germline. Observed: 2 variant alleles, 2 heterozygotes.

Genetic Services Laboratory, University of Chicago
Classification: Likely benign for AllHighlyPenetrant. Last evaluated: 2013-08-27. Review status: criteria provided, single submitter. Criteria: ACMG Guidelines, 2007. Collection method: clinical testing. Allele origin: germline. Inheritance: Autosomal recessive inheritance.

Breakthrough Genomics
Classification: Likely benign. Review status: criteria provided, single submitter. Criteria: ACMG Guidelines, 2015. Collection method: not provided. Allele origin: germline. Inheritance: Autosomal recessive inheritance. Affected: yes.

Broad Center for Mendelian Genomics, Broad Institute of MIT and Harvard
Classification: Benign for Central core myopathy. Review status: criteria provided, single submitter. Criteria: ACMG Guidelines, 2015. Collection method: research. Allele origin: germline. Inheritance: Autosomal recessive inheritance. Affected: yes.
Comment: The heterozygous c.363-4G>A variant in PPT1 has been identified in 2 Turkish individuals with neuronal ceroid lipofuscinosis and no other variants identified in the gene (PMID: 21990111), and has been identified in >5% of Latino chromosomes and 27 homozygotes by ExAC. In summary, this variant meets criteria to be classified as benign for autosomal recessive infantile neuronal ceroid lipofuscinosis.

PreventionGenetics, part of Exact Sciences
Classification: Benign for PPT1-related condition. Last evaluated: 2024-05-01. Review status: no assertion criteria provided. Collection method: clinical testing. Allele origin: germline. Not counted in ClinVar's aggregate classification.
Comment: This variant is classified as benign based on ACMG/AMP sequence variant interpretation guidelines (Richards et al. 2015 PMID: 25741868, with internal and published modifications).

Natera, Inc.
Classification: Benign for Neuronal ceroid lipofuscinosis 1. Last evaluated: 2020-09-16. Review status: no assertion criteria provided. Collection method: clinical testing. Allele origin: germline. Not counted in ClinVar's aggregate classification.

Mayo Clinic Laboratories, Mayo Clinic
Classification: Likely benign. Last evaluated: 2017-10-26. Review status: no assertion criteria provided. Collection method: clinical testing. Allele origin: unknown. Not counted in ClinVar's aggregate classification.

Diagnostic Laboratory, Department of Genetics, University Medical Center Groningen
Classification: Benign for Neuronal ceroid lipofuscinosis 1. Review status: no assertion criteria provided. Collection method: clinical testing. Allele origin: germline. Affected: yes. Study: VKGL Data-share Consensus. Not counted in ClinVar's aggregate classification.

Genome Diagnostics Laboratory, Amsterdam University Medical Center
Classification: Likely benign. Review status: no assertion criteria provided. Collection method: clinical testing. Allele origin: germline. Affected: yes. Study: VKGL Data-share Consensus. Not counted in ClinVar's aggregate classification.

Genome Diagnostics Laboratory, University Medical Center Utrecht
Classification: Likely benign. Review status: no assertion criteria provided. Collection method: clinical testing. Allele origin: germline. Affected: yes. Study: VKGL Data-share Consensus. Not counted in ClinVar's aggregate classification.

Literature cited by the submitters: PubMed 21990111 (cited by Broad Center for Mendelian Genomics, Broad Institute of MIT and Harvard).